The following is an entry in ClinVar:

NM_000135.4(FANCA):c.3349-2A>G

Gene: FANCA (FA complementation group A; minus strand). Cytogenetic location: 16q24.3.
Variant type: single nucleotide variant.
Coding change: c.3349-2A>G on transcript NM_000135.4 (MANE Select); the canonical splice acceptor site of the intron before coding-DNA position 3349, A replaced by G.
Molecular consequence: splice acceptor variant.
Genome position (GRCh38, 1-based): chr16:89,746,892, T>C on the plus strand (A>G on the coding strand, the complement: FANCA is on the minus strand). VCF-style: chr16-89746892-T-C. GRCh37 (hg19) VCF-style: chr16-89813300-T-C.
Other names: c.3349-2A>G (NM_001286167.3).
Identifiers: ClinVar variation 964798 (VCV000964798.11), dbSNP rs2038409874, ClinGen allele CA397486170.

ClinVar aggregate classification (germline): Pathogenic. Review status: criteria provided, multiple submitters, no conflicts (2 of 4 stars). 2 submissions from 2 submitters: Pathogenic (2). Last evaluated 2022-06-09.

Conditions:
Fanconi anemia (FA). Also called: Fanconi's anemia. Identifiers: Orphanet 84, MedGen C0015625, MeSH D005199, MONDO:0019391.
Fanconi anemia complementation group A (FANCA). Also called: FANCA-Related Fanconi Anemia; Fanconi anemia, group A. Identifiers: Orphanet 84, MedGen C3469521, MONDO:0009215, OMIM 227650.

Submissions (2):

Labcorp Genetics (formerly Invitae), Labcorp
Classification: Pathogenic for Fanconi anemia. Last evaluated: 2022-06-09. Review status: criteria provided, single submitter. Criteria: Invitae Variant Classification Sherloc (09022015). Collection method: clinical testing. Allele origin: germline.
Comment: Disruption of this splice site has been observed in individual(s) with Fanconi anemia (PMID: 24989076). It has also been observed to segregate with disease in related individuals. For these reasons, this variant has been classified as Pathogenic. This variant disrupts the p.Thr1131 amino acid residue in FANCA. Other variant(s) that disrupt this residue have been determined to be pathogenic (PMID: 1792455, 9371798, 12444097, 15643609, 19278965, 19367192, 22778927). This suggests that this residue is clinically significant, and that variants that disrupt this residue are likely to be disease-causing. Studies have shown that disruption of this splice site results in skipping of exon 34, but is expected to preserve the integrity of the reading-frame (PMID: 24989076). ClinVar contains an entry for this variant (Variation ID: 964798). This variant is not present in population databases (gnomAD no frequency). This sequence change affects an acceptor splice site in intron 33 of the FANCA gene. RNA analysis indicates that disruption of this splice site induces altered splicing and likely results in a shortened protein product.

Revvity Omics, Revvity
Classification: Pathogenic for Fanconi anemia complementation group A. Last evaluated: 2019-06-10. Review status: criteria provided, single submitter. Criteria: ACMG Guidelines, 2015. Collection method: clinical testing. Allele origin: germline.

Literature cited by the submitters: PubMed 24989076 (cited by Labcorp Genetics (formerly Invitae), Labcorp); PubMed 1792455 (cited by Labcorp Genetics (formerly Invitae), Labcorp); PubMed 9371798 (cited by Labcorp Genetics (formerly Invitae), Labcorp); PubMed 12444097 (cited by Labcorp Genetics (formerly Invitae), Labcorp); PubMed 15643609 (cited by Labcorp Genetics (formerly Invitae), Labcorp); PubMed 19278965 (cited by Labcorp Genetics (formerly Invitae), Labcorp); PubMed 19367192 (cited by Labcorp Genetics (formerly Invitae), Labcorp); PubMed 22778927 (cited by Labcorp Genetics (formerly Invitae), Labcorp).